The following is an entry in ClinVar:

ClinVar aggregate classification (germline): Conflicting classifications of pathogenicity. Review status: criteria provided, conflicting classifications (1 of 4 stars). 5 submissions from 5 submitters: Uncertain significance (1); Benign (1); Likely benign (2). 1 of the submissions does not count toward it. Last evaluated 2025-12-23.

Conditions:
Inborn genetic diseases. Identifiers: MedGen C0950123, MeSH D030342.
Mucopolysaccharidosis, MPS-II (MPS2). Also called: Attenuated MPS (subtype; formerly known as mild MPS II); Severe MPS II; I2S deficiency; MPS 2; Hunter Syndrome; IDS deficiency. Identifiers: Orphanet 580, Orphanet 79388, MedGen C0026705, MONDO:0010674, OMIM 309900.

Allele frequency attached by ClinVar (database versions not stated): gnomAD 0.00005; TOPMed 0.00006; gnomAD exomes 0.00009; ExAC 0.00011.
gnomAD v4.1: 38 of 1,209,521 alleles (0.0031%); highest among the groups gnomAD compares: East Asian, 0.086%; no homozygotes.

Submissions (5):

Labcorp Genetics (formerly Invitae), Labcorp
Classification: Benign for Mucopolysaccharidosis, MPS-II. Last evaluated: 2025-12-23. Review status: criteria provided, single submitter. Criteria: Invitae Variant Classification Sherloc (09022015). Collection method: clinical testing. Allele origin: germline.

Revvity Omics, Revvity
Classification: Uncertain significance for Mucopolysaccharidosis, MPS-II. Last evaluated: 2025-04-24. Review status: criteria provided, single submitter. Criteria: ACMG Guidelines, 2015. Collection method: clinical testing. Allele origin: germline.

Women's Health and Genetics/Laboratory Corporation of America, LabCorp
Classification: Likely benign. Last evaluated: 2022-06-02. Review status: criteria provided, single submitter. Criteria: LabCorp Variant Classification Summary - May 2015. Collection method: clinical testing. Allele origin: germline.
Comment: Variant summary: IDS c.851C>T (p.Pro284Leu) results in a non-conservative amino acid change located in the Sulfatase, N-terminal domain (IPR000917) of the encoded protein sequence. Five of five in-silico tools predict a damaging effect of the variant on protein function. The variant allele was found at a frequency of 8.7e-05 in 183363 control chromosomes, predominantly at a frequency of 0.0012 within the East Asian subpopulation in the gnomAD database. This frequency is not significantly higher than estimated for a pathogenic variant in IDS causing Mucopolysaccharidosis Type II (Hunter Syndrome) (8.7e-05 vs 0.0029), allowing no conclusion about variant significance. c.851C>T has been reported in the literature as a pseudo-deficiency allele that has been associated with an attenuated phenotype in at-least one individual reportedly affected with Mucopolysaccharidosis Type II (Hunter Syndrome) (example, Kosuga_2016) and as a VUS in settings of newborn screening (NBS) among infants not meeting the confirmatory criteria for a typical MPS II diagnosis (example, Yu Lin_2020). These report(s) do not provide unequivocal conclusions about association of the variant with Mucopolysaccharidosis Type II (Hunter Syndrome). At least one publication reports experimental evidence evaluating an impact on protein function (Yu Lin_2020). The most pronounced variant effect results in 62% of normal activity. One clinical diagnostic laboratory has submitted clinical-significance assessments for this variant to ClinVar after 2014 without evidence for independent evaluation and classified the variant as benign. Based on the evidence outlined above, the variant was classified as likely benign.

Ambry Genetics
Classification: Likely benign for Inborn genetic diseases. Last evaluated: 2018-02-14. Review status: criteria provided, single submitter. Criteria: Ambry Variant Classification Scheme 2023. Collection method: clinical testing. Allele origin: germline.

Laboratory of Diagnosis and Therapy of Lysosomal Disorders, University of Padova
Classification: Pathogenic for Mucopolysaccharidosis, MPS-II. Last evaluated: 2024-06-07. Review status: flagged submission. Criteria: ACMG Guidelines, 2015. Collection method: literature only. Allele origin: germline. Affected: yes. Observed: 4 variant alleles. Not counted in ClinVar's aggregate classification.
Comment: Prevalence of the variant significantly increased in affected individuals compared with controls (PS4_Moderate), Absent from controls (or at low frequency) in gnomAD database (PM2_Moderate), Missense variant in a gene with a low rate of benign missense variation (PP2_Supporting), Multiple lines of computational evidence support a deleterious effect (PP3_Supporting), Patient’s phenotype or family history highly specific for the disease (PP4_Strong), In vitro or in vivo functional studies showing no damaging effect (BS3_Supporting)

Classification method: ACMG Guidelines [PMID:25741868] with modifications
ClinVar note: Reason: Outlier claim with insufficient supporting evidence

Literature cited by the submitters: PubMed 27246110 (cited by 3 submitters); PubMed 31877959 (cited by Women's Health and Genetics/Laboratory Corporation of America, LabCorp); PubMed 19573456 (cited by Ambry Genetics and Laboratory of Diagnosis and Therapy of Lysosomal Disorders, University of Padova); PubMed 30945278 (cited by Laboratory of Diagnosis and Therapy of Lysosomal Disorders, University of Padova); PubMed 36945845 (cited by Laboratory of Diagnosis and Therapy of Lysosomal Disorders, University of Padova).

NM_000202.8(IDS):c.851C>T (p.Pro284Leu)

Genes: IDS (iduronate 2-sulfatase; minus strand), LOC106050102 (IDS recombination region; plus strand). Cytogenetic location: Xq28.
Variant type: single nucleotide variant.
Coding change: c.851C>T on transcript NM_000202.8 (MANE Select); coding-DNA position 851, C replaced by T.
Protein change: p.Pro284Leu; replaces proline 284 with leucine.
Molecular consequence: missense variant. On other transcripts: non-coding transcript variant (1).
Genome position (GRCh38, 1-based): chrX:149,496,374, G>A on the plus strand (C>T on the coding strand, the complement: IDS is on the minus strand). VCF-style: chrX-149496374-G-A. GRCh37 (hg19) VCF-style: chrX-148577905-G-A.
Other names: c.581C>T, p.Pro194Leu (NM_001166550.4); c.851C>T, p.Pro284Leu (NM_006123.5); short protein forms P194L, P284L.
Identifiers: ClinVar variation 725381 (VCV000725381.15), dbSNP rs782286857, ClinGen allele CA10537590.